The following is an entry in ClinVar:

NM_000179.3(MSH6):c.733A>G (p.Ile245Val)

Gene: MSH6 (mutS homolog 6; plus strand). Cytogenetic location: 2p16.3.
Variant type: single nucleotide variant.
Coding change: c.733A>G on transcript NM_000179.3 (MANE Select); coding-DNA position 733, A replaced by G.
Protein change: p.Ile245Val; replaces isoleucine 245 with valine.
Molecular consequence: missense variant. On other transcripts: 5 prime UTR variant (2).
Genome position (GRCh38, 1-based): chr2:47,798,716, A>G. VCF-style: chr2-47798716-A-G. GRCh37 (hg19) VCF-style: chr2-48025855-A-G.
Other names: c.343A>G, p.Ile115Val (NM_001281492.2); c.-174A>G (NM_001281493.2, NM_001281494.2); short protein forms I245V, I115V.
Identifiers: ClinVar variation 455342 (VCV000455342.18), dbSNP rs762168786, ClinGen allele CA346740050.

ClinVar aggregate classification (germline): Conflicting classifications of pathogenicity. Review status: criteria provided, conflicting classifications (1 of 4 stars). 5 submissions from 5 submitters: Uncertain significance (4); Likely benign (1). Last evaluated 2026-01-25.

Conditions:
Hereditary nonpolyposis colorectal neoplasms. Identifiers: MedGen C0009405, MeSH D003123.
Hereditary cancer-predisposing syndrome. Also called: Neoplastic Syndromes, Hereditary; Hereditary Cancer Syndrome; Hereditary neoplastic syndrome; Tumor predisposition. Identifiers: Orphanet 140162, MedGen C0027672, MeSH D009386, MONDO:0015356.
Lynch syndrome. Identifiers: Orphanet 144, MedGen C4552100, MONDO:0005835. Disease mechanism: loss of function.

Allele frequency attached by ClinVar (database versions not stated): TOPMed 0.00001; gnomAD 0.00006.
gnomAD v4.1: 5 of 1,614,080 alleles (0.00031%); highest among the groups gnomAD compares: Middle Eastern, 0.033%; no homozygotes.

Submissions (5):

Labcorp Genetics (formerly Invitae), Labcorp
Classification: Likely benign for Hereditary nonpolyposis colorectal neoplasms. Last evaluated: 2026-01-25. Review status: criteria provided, single submitter. Criteria: Invitae Variant Classification Sherloc (09022015). Collection method: clinical testing. Allele origin: germline.

Color Diagnostics, LLC DBA Color Health
Classification: Uncertain significance for Hereditary cancer-predisposing syndrome. Last evaluated: 2025-06-23. Review status: criteria provided, single submitter. Criteria: ACMG Guidelines, 2015. Collection method: clinical testing. Allele origin: germline.
Comment: This missense variant replaces isoleucine with valine at codon 245 of the MSH6 protein. Computational prediction suggests that this variant may not impact protein structure and function. To our knowledge, functional studies have not been reported for this variant. This variant has not been reported in individuals affected with MSH6-related disorders in the literature. This variant has been identified in 2/31410 chromosomes in the general population by the Genome Aggregation Database (gnomAD). The available evidence is insufficient to determine the role of this variant in disease conclusively. Therefore, this variant is classified as a Variant of Uncertain Significance.

Blueprint Genetics
Classification: Uncertain significance. Last evaluated: 2024-09-10. Review status: criteria provided, single submitter. Criteria: ACMG Guidelines, 2015. Collection method: clinical testing. Allele origin: germline.

Ambry Genetics
Classification: Uncertain significance for Hereditary cancer-predisposing syndrome. Last evaluated: 2024-02-15. Review status: criteria provided, single submitter. Criteria: Ambry Variant Classification Scheme 2023. Collection method: clinical testing. Allele origin: germline.
Comment: The p.I245V variant (also known as c.733A>G), located in coding exon 4 of the MSH6 gene, results from an A to G substitution at nucleotide position 733. The isoleucine at codon 245 is replaced by valine, an amino acid with highly similar properties. This amino acid position is not well conserved in available vertebrate species. In addition, this alteration is predicted to be tolerated by in silico analysis. Based on the available evidence, the clinical significance of this alteration remains unclear.

All of Us Research Program, National Institutes of Health
Classification: Uncertain significance for Lynch syndrome. Last evaluated: 2023-12-01. Review status: criteria provided, single submitter. Criteria: ACMG Guidelines, 2015. Collection method: clinical testing. Allele origin: germline. Inheritance: Autosomal dominant inheritance. Observed: 2 variant alleles, 2 heterozygotes.
Comment: This missense variant replaces isoleucine with valine at codon 245 of the MSH6 protein. Computational prediction suggests that this variant may not impact protein structure and function (internally defined REVEL score threshold <= 0.5, PMID: 27666373). To our knowledge, functional studies have not been reported for this variant. This variant has not been reported in individuals affected with MSH6-related disorders in the literature. This variant has been identified in 2/31410 chromosomes in the general population by the Genome Aggregation Database (gnomAD). The available evidence is insufficient to determine the role of this variant in disease conclusively. Therefore, this variant is classified as a Variant of Uncertain Significance.

This study involves interpretation of variants in research participants for the purpose of population health screening. Participant phenotype was not available at the time of variant classification. Additional details can be found in publication PMID: 35346344, PMCID: PMC8962531